The following is an entry in ClinVar:

NM_000152.5(GAA):c.1096T>C (p.Tyr366His)

Gene: GAA (alpha glucosidase; plus strand). Cytogenetic location: 17q25.3.
Variant type: single nucleotide variant.
Coding change: c.1096T>C on transcript NM_000152.5 (MANE Select); coding-DNA position 1096, T replaced by C.
Protein change: p.Tyr366His; replaces tyrosine 366 with histidine.
Molecular consequence: missense variant.
Genome position (GRCh38, 1-based): chr17:80,108,509, T>C. VCF-style: chr17-80108509-T-C. GRCh37 (hg19) VCF-style: chr17-78082308-T-C.
Other names: c.1096T>C, p.Tyr366His (NM_001079803.3, NM_001079804.3, NM_001406741.1 and 1 more transcripts); short protein forms Y366H.
Identifiers: ClinVar variation 3627308 (VCV003627308.3).
Genomic context (GRCh38, chr17:80,108,509, plus strand): 5'-TCCCTCCTCCCTCCCTCATGAAGTCGGCGTTGGCCTGCAGGATACCCGTTCATGCCGCCA[T>C]ACTGGGGCCTGGGCTTCCACCTGTGCCGCTGGGGCTACTCCTCCACCGCTATCACCCGCC-3'
Protein context (NP_000143.2, residues 356-376): DVVGYPFMPP[Tyr366His]WGLGFHLCRW

ClinVar aggregate classification (germline): Uncertain significance. Review status: criteria provided, multiple submitters, no conflicts (2 of 4 stars). 2 submissions from 2 submitters: Uncertain significance (2). Last evaluated 2024-04-03.

Conditions:
Glycogen storage disease, type II (IOPD). Also called: GLYCOGENOSIS, GENERALIZED, CARDIAC FORM; GSD II; POMPE DISEASE, INFANTILE-ONSET; GLYCOGEN STORAGE DISEASE II, INFANTILE-ONSET; ACID ALPHA-GLUCOSIDASE DEFICIENCY, INFANTILE-ONSET; GAA DEFICIENCY, INFANTILE-ONSET. Identifiers: Orphanet 365, MedGen C0017921, MONDO:0009290, OMIM 232300.

gnomAD v4.1: 1 of 1,613,138 alleles (0.000062%); highest among the groups gnomAD compares: South Asian, 0.0011%; no homozygotes.

Submissions (2):

Labcorp Genetics (formerly Invitae), Labcorp
Classification: Uncertain significance for Glycogen storage disease, type II. Last evaluated: 2024-04-03. Review status: criteria provided, single submitter. Criteria: Invitae Variant Classification Sherloc (09022015). Collection method: clinical testing. Allele origin: germline.
Comment: This sequence change replaces tyrosine, which is neutral and polar, with histidine, which is basic and polar, at codon 366 of the GAA protein (p.Tyr366His). This variant is present in population databases (rs770705917, gnomAD 0.003%). This variant has not been reported in the literature in individuals affected with GAA-related conditions. Advanced modeling of protein sequence and biophysical properties (such as structural, functional, and spatial information, amino acid conservation, physicochemical variation, residue mobility, and thermodynamic stability) performed at Invitae indicates that this missense variant is expected to disrupt GAA protein function with a positive predictive value of 95%. In summary, the available evidence is currently insufficient to determine the role of this variant in disease. Therefore, it has been classified as a Variant of Uncertain Significance.

Revvity Omics, Revvity
Classification: Uncertain significance. Last evaluated: 2023-10-19. Review status: criteria provided, single submitter. Criteria: ACMG Guidelines, 2015. Collection method: clinical testing. Allele origin: germline.